The following is an entry in ClinVar:

ClinVar aggregate classification (germline): Uncertain significance (1 of 4 stars; one submission).

Conditions:
Autosomal recessive distal spinal muscular atrophy 1. Also called: SEVERE INFANTILE AXONAL NEUROPATHY WITH RESPIRATORY FAILURE; SPINAL MUSCULAR ATROPHY, DIAPHRAGMATIC; Spinal muscular atrophy with respiratory distress 1; HMN VI; NEURONOPATHY, SEVERE INFANTILE AXONAL, WITH RESPIRATORY FAILURE; NEURONOPATHY, DISTAL HEREDITARY MOTOR, HARDING TYPE VI. Identifiers: Orphanet 98920, MedGen C1858517, MONDO:0011436, OMIM 604320.
Charcot-Marie-Tooth disease axonal type 2S. Also called: CHARCOT-MARIE-TOOTH NEUROPATHY, TYPE 2S; CHARCOT-MARIE-TOOTH DISEASE, AXONAL, AUTOSOMAL RECESSIVE, TYPE 2S. Identifiers: Orphanet 443073, MedGen C4015349, MONDO:0014511, OMIM 616155.

Allele frequency attached by ClinVar (database versions not stated): gnomAD exomes below 0.00001; gnomAD 0.00001; TOPMed 0.00002.
gnomAD v4.1: 3 of 1,613,138 alleles (0.00019%); highest among the groups gnomAD compares: African/African-American, 0.0027%; no homozygotes.

Submission:

Labcorp Genetics (formerly Invitae), Labcorp
Classification: Uncertain significance for Autosomal recessive distal spinal muscular atrophy 1; Charcot-Marie-Tooth disease axonal type 2S. Last evaluated: 2022-08-04. Review status: criteria provided, single submitter. Criteria: Invitae Variant Classification Sherloc (09022015). Collection method: clinical testing. Allele origin: germline.
Comment: This sequence change replaces glutamic acid, which is acidic and polar, with glycine, which is neutral and non-polar, at codon 947 of the IGHMBP2 protein (p.Glu947Gly). This variant is present in population databases (no rsID available, gnomAD 0.007%). This variant has not been reported in the literature in individuals affected with IGHMBP2-related conditions. Advanced modeling of protein sequence and biophysical properties (such as structural, functional, and spatial information, amino acid conservation, physicochemical variation, residue mobility, and thermodynamic stability) performed at Invitae indicates that this missense variant is not expected to disrupt IGHMBP2 protein function. In summary, the available evidence is currently insufficient to determine the role of this variant in disease. Therefore, it has been classified as a Variant of Uncertain Significance.

NM_002180.3(IGHMBP2):c.2840A>G (p.Glu947Gly)

Gene: IGHMBP2 (immunoglobulin mu DNA binding protein 2; plus strand). Cytogenetic location: 11q13.3.
Variant type: single nucleotide variant.
Coding change: c.2840A>G on transcript NM_002180.3 (MANE Select); coding-DNA position 2840, A replaced by G.
Protein change: p.Glu947Gly; replaces glutamic acid 947 with glycine.
Molecular consequence: missense variant.
Genome position (GRCh38, 1-based): chr11:68,939,589, A>G. VCF-style: chr11-68939589-A-G. GRCh37 (hg19) VCF-style: chr11-68707057-A-G.
Other names: short protein forms E947G.
Identifiers: ClinVar variation 1911191 (VCV001911191.2), dbSNP rs1246330881, ClinGen allele CA381654869.